The following is an entry in ClinVar:

NM_000051.4(ATM):c.3810dup (p.Ile1271fs)

Gene: ATM (ATM serine/threonine kinase; plus strand). Cytogenetic location: 11q22.3.
Variant type: Duplication.
Coding change: c.3810dup on transcript NM_000051.4 (MANE Select); coding-DNA position 3810, one base duplicated (C; older notation c.3810dupC).
Protein change: p.Ile1271fs; shifts the reading frame from isoleucine 1271.
Molecular consequence: frameshift variant.
Genome position (GRCh38, 1-based): chr11:108,284,290, C duplicated; the last of 2 consecutive C bases (chr11:108,284,289-108,284,290); duplicating either gives the same sequence. VCF-style (leftmost placement, unchanged base first): chr11-108284288-T-TC. GRCh37 (hg19) VCF-style: chr11-108155015-T-TC.
Other names: c.3810dup, p.Ile1271fs (NM_001351834.2); c.3810dupC (NM_000051.3); short protein forms I1271fs.
Identifiers: ClinVar variation 4618626 (VCV004618626.1).

ClinVar aggregate classification (germline): Pathogenic (1 of 4 stars; one submission).

Conditions:
Hereditary cancer-predisposing syndrome. Also called: Neoplastic Syndromes, Hereditary; Tumor predisposition; Hereditary Cancer Syndrome; Hereditary neoplastic syndrome. Identifiers: Orphanet 140162, MedGen C0027672, MeSH D009386, MONDO:0015356.

Submission:

Ambry Genetics
Classification: Pathogenic for Hereditary cancer-predisposing syndrome. Last evaluated: 2025-12-09. Review status: criteria provided, single submitter. Criteria: Ambry Variant Classification Scheme 2023. Collection method: clinical testing. Allele origin: germline.
Comment: The c.3810dupC pathogenic mutation, located in coding exon 25 of the ATM gene, results from a duplication of C at nucleotide position 3810, causing a translational frameshift with a predicted alternate stop codon (p.I1271Hfs*3). This variant is considered to be rare based on population cohorts in the Genome Aggregation Database (gnomAD). This alteration is expected to result in loss of function by premature protein truncation or nonsense-mediated mRNA decay. As such, this alteration is interpreted as a disease-causing mutation.